The following is an entry in ClinVar:

NM_144670.6(A2ML1):c.2120C>G (p.Ala707Gly)

Gene: A2ML1 (alpha-2-macroglobulin like 1; plus strand). Cytogenetic location: 12p13.31.
Variant type: single nucleotide variant.
Coding change: c.2120C>G on transcript NM_144670.6 (MANE Select); coding-DNA position 2120, C replaced by G.
Protein change: p.Ala707Gly; replaces alanine 707 with glycine.
Molecular consequence: missense variant.
Genome position (GRCh38, 1-based): chr12:8,850,160, C>G. VCF-style: chr12-8850160-C-G. GRCh37 (hg19) VCF-style: chr12-9002756-C-G.
Other names: c.647C>G, p.Ala216Gly (NM_001282424.3); short protein forms A707G, A216G.
Identifiers: ClinVar variation 1786241 (VCV001786241.2), dbSNP rs2539251188, ClinGen allele CA383832030.

ClinVar aggregate classification (germline): Uncertain significance (1 of 4 stars; one submission).

Submission:

Ambry Genetics
Classification: Uncertain significance. Last evaluated: 2021-07-15. Review status: criteria provided, single submitter. Criteria: Ambry Variant Classification Scheme 2023. Collection method: clinical testing. Allele origin: germline.
Comment: The p.A707G variant (also known as c.2120C>G) is located in coding exon 18 of the A2ML1 gene. The alanine at codon 707 is replaced by glycine, an amino acid with similar properties. This change occurs in the first base pair of coding exon 18. This amino acid position is conserved. In addition, this alteration is predicted to be tolerated by in silico analysis. Since supporting evidence is limited at this time, the clinical significance of this alteration remains unclear.